The following is an entry in ClinVar:

NM_213607.3(DNAAF19):c.104G>A (p.Arg35Gln)

Gene: DNAAF19 (dynein axonemal assembly factor 19; plus strand). Cytogenetic location: 17q21.31.
Variant type: single nucleotide variant.
Coding change: c.104G>A on transcript NM_213607.3 (MANE Select); coding-DNA position 104, G replaced by A.
Protein change: p.Arg35Gln; replaces arginine 35 with glutamine.
Molecular consequence: missense variant.
Genome position (GRCh38, 1-based): chr17:44,901,102, G>A. VCF-style: chr17-44901102-G-A. GRCh37 (hg19) VCF-style: chr17-42978470-G-A.
Other names: c.104G>A, p.Arg35Gln (NM_001258395.2, NM_001258396.2, NM_001258397.3 and 2 more transcripts); short protein forms R35Q.
Identifiers: ClinVar variation 888962 (VCV000888962.12), dbSNP rs587783065, ClinGen allele CA8608268.

ClinVar aggregate classification (germline): Uncertain significance. Review status: criteria provided, multiple submitters, no conflicts (2 of 4 stars). 3 submissions from 3 submitters: Uncertain significance (3). Last evaluated 2022-09-06.

Conditions:
Primary ciliary dyskinesia 17. Also called: CILIARY DYSKINESIA, PRIMARY, 17, WITH OR WITHOUT SITUS INVERSUS. Identifiers: Orphanet 244, MedGen C3542550, MONDO:0013854, OMIM 614679.
Primary ciliary dyskinesia. Also called: Ciliary dyskinesia. Identifiers: Orphanet 244, MedGen C0008780, MONDO:0016575, HP:0012265.

Allele frequency attached by ClinVar (database versions not stated): ExAC 0.00001; gnomAD exomes 0.00008 and 0.00014; TOPMed 0.00023; gnomAD 0.00032 and 0.00034.
gnomAD v4.1: 171 of 1,606,290 alleles (0.011%); highest among the groups gnomAD compares: Admixed American, 0.12%; 2 homozygotes.

Submissions (3):

Labcorp Genetics (formerly Invitae), Labcorp
Classification: Uncertain significance for Primary ciliary dyskinesia. Last evaluated: 2022-09-06. Review status: criteria provided, single submitter. Criteria: Invitae Variant Classification Sherloc (09022015). Collection method: clinical testing. Allele origin: germline.
Comment: This sequence change replaces arginine, which is basic and polar, with glutamine, which is neutral and polar, at codon 35 of the CCDC103 protein (p.Arg35Gln). This variant is present in population databases (rs587783065, gnomAD 0.08%), including at least one homozygous and/or hemizygous individual. This variant has not been reported in the literature in individuals affected with CCDC103-related conditions. ClinVar contains an entry for this variant (Variation ID: 888962). Algorithms developed to predict the effect of missense changes on protein structure and function (SIFT, PolyPhen-2, Align-GVGD) all suggest that this variant is likely to be disruptive. In summary, the available evidence is currently insufficient to determine the role of this variant in disease. Therefore, it has been classified as a Variant of Uncertain Significance.

Fulgent Genetics
Classification: Uncertain significance for Primary ciliary dyskinesia 17. Last evaluated: 2022-01-20. Review status: criteria provided, single submitter. Criteria: ACMG Guidelines, 2015. Collection method: clinical testing. Allele origin: unknown.

Illumina Laboratory Services, Illumina
Classification: Uncertain significance for Primary ciliary dyskinesia 17. Last evaluated: 2017-04-28. Review status: criteria provided, single submitter. Criteria: ICSL Variant Classification Criteria 13 December 2019. Collection method: clinical testing. Allele origin: germline.